The following is an entry in ClinVar:

ClinVar aggregate classification (germline): Conflicting classifications of pathogenicity. Review status: criteria provided, conflicting classifications (1 of 4 stars). 4 submissions from 4 submitters: Uncertain significance (3); Likely benign (1). Last evaluated 2026-08-06.

Conditions:
Retinoblastoma (RB1). Also called: RETINOBLASTOMA, SOMATIC. Identifiers: Orphanet 790, MedGen C0035335, MeSH D012175, MONDO:0008380, OMIM 180200, HP:0009919. Disease mechanism: loss of function. Inheritance: Both sporadic and heritable forms are tested..
Hereditary cancer-predisposing syndrome. Also called: Neoplastic Syndromes, Hereditary; Hereditary Cancer Syndrome; Hereditary neoplastic syndrome; Tumor predisposition. Identifiers: Orphanet 140162, MedGen C0027672, MeSH D009386, MONDO:0015356.

Allele frequency attached by ClinVar (database versions not stated): TOPMed below 0.00001; gnomAD 0.00001; gnomAD exomes 0.00001; ESP Exome Variant Server 0.00008.
gnomAD v4.1: 8 of 1,613,040 alleles (0.0005%); highest among the groups gnomAD compares: African/African-American, 0.0013%; no homozygotes.

Submissions (4):

Ambry Genetics
Classification: Likely benign for Hereditary cancer-predisposing syndrome. Last evaluated: 2026-08-06. Review status: criteria provided, single submitter. Criteria: Ambry Variant Classification Scheme 2023. Collection method: clinical testing. Allele origin: germline.

Labcorp Genetics (formerly Invitae), Labcorp
Classification: Uncertain significance for Retinoblastoma. Last evaluated: 2024-10-15. Review status: criteria provided, single submitter. Criteria: Invitae Variant Classification Sherloc (09022015). Collection method: clinical testing. Allele origin: germline.
Comment: This sequence change replaces asparagine, which is neutral and polar, with serine, which is neutral and polar, at codon 593 of the RB1 protein (p.Asn593Ser). This variant is not present in population databases (gnomAD no frequency). This variant has not been reported in the literature in individuals affected with RB1-related conditions. ClinVar contains an entry for this variant (Variation ID: 639638). Invitae Evidence Modeling of protein sequence and biophysical properties (such as structural, functional, and spatial information, amino acid conservation, physicochemical variation, residue mobility, and thermodynamic stability) indicates that this missense variant is not expected to disrupt RB1 protein function with a negative predictive value of 80%. RNA analysis performed to evaluate the impact of this missense change on mRNA splicing indicates it does not significantly alter splicing (internal data). In summary, the available evidence is currently insufficient to determine the role of this variant in disease. Therefore, it has been classified as a Variant of Uncertain Significance.

All of Us Research Program, National Institutes of Health
Classification: Uncertain significance for Retinoblastoma. Last evaluated: 2023-06-26. Review status: criteria provided, single submitter. Criteria: ACMG Guidelines, 2015. Collection method: clinical testing. Allele origin: germline. Inheritance: Autosomal dominant inheritance. Observed: 2 variant alleles, 2 heterozygotes.
Comment: This missense variant replaces asparagine with serine at codon 593 of the RB1 protein. Computational prediction suggests that this variant may not impact protein structure and function (internally defined REVEL score threshold <= 0.5, PMID: 27666373). To our knowledge, functional studies have not been reported for this variant. This variant has not been reported in individuals affected with RB1-related disorders in the literature. This variant has not been identified in the general population by the Genome Aggregation Database (gnomAD). The available evidence is insufficient to determine the role of this variant in disease conclusively. Therefore, this variant is classified as a Variant of Uncertain Significance.

This study involves interpretation of variants in research participants for the purpose of population health screening. Participant phenotype was not available at the time of variant classification. Additional details can be found in publication PMID: 35346344, PMCID: PMC8962531

Sema4
Classification: Uncertain significance for Hereditary cancer-predisposing syndrome. Last evaluated: 2022-03-08. Review status: criteria provided, single submitter. Criteria: Sema4 Curation Guidelines. Collection method: curation. Allele origin: germline.
Comment: The RB1 c.1778A>G (p.N593S) variant has not been reported in the literature to our knowledge. This variant is not reported in the population database according to the Genome Aggregation Database (PMID 32461654). The variant has been reported in ClinVar (Variation ID 639638). Functional studies have not been performed, and in silico predictions of the variant's effect on protein function are inconclusive. The evidence is insufficient to meet ACMG/AMP criteria for classifying the variant as benign or pathogenic. Thus, the clinical significance of this variant is currently uncertain.

NM_000321.3(RB1):c.1778A>G (p.Asn593Ser)

Gene: RB1 (RB transcriptional corepressor 1; plus strand). Cytogenetic location: 13q14.2.
Variant type: single nucleotide variant.
Coding change: c.1778A>G on transcript NM_000321.3 (MANE Select); coding-DNA position 1778, A replaced by G.
Protein change: p.Asn593Ser; replaces asparagine 593 with serine.
Molecular consequence: missense variant.
Genome position (GRCh38, 1-based): chr13:48,453,075, A>G. VCF-style: chr13-48453075-A-G. GRCh37 (hg19) VCF-style: chr13-49027211-A-G.
Other names: short protein forms N593S.
Identifiers: ClinVar variation 639638 (VCV000639638.15), dbSNP rs138033832, ClinGen allele CA249305466.